The following is an entry in ClinVar:

ClinVar aggregate classification (germline): Conflicting classifications of pathogenicity. Review status: criteria provided, conflicting classifications (1 of 4 stars). 3 submissions from 3 submitters: Likely pathogenic (1); Uncertain significance (2). Last evaluated 2026-01-19.

Conditions:
Perrault syndrome 5 (PRLTS5). Identifiers: Orphanet 2855, MedGen C4015307, MONDO:0014504, OMIM 616138.

Allele frequency attached by ClinVar (database versions not stated): gnomAD exomes 0.00001 and 0.00002; gnomAD 0.00001; ExAC 0.00002.

Submissions (3):

Labcorp Genetics (formerly Invitae), Labcorp
Classification: Uncertain significance. Last evaluated: 2026-01-19. Review status: criteria provided, single submitter. Criteria: Invitae Variant Classification Sherloc (09022015). Collection method: clinical testing. Allele origin: germline.
Comment: This sequence change replaces arginine, which is basic and polar, with tryptophan, which is neutral and slightly polar, at codon 65 of the TWNK protein (p.Arg65Trp). This variant is present in population databases (rs753640924, gnomAD 0.02%). This variant has not been reported in the literature in individuals affected with TWNK-related conditions. ClinVar contains an entry for this variant (Variation ID: 1309254). Invitae Evidence Modeling of protein sequence and biophysical properties (such as structural, functional, and spatial information, amino acid conservation, physicochemical variation, residue mobility, and thermodynamic stability) indicates that this missense variant is expected to disrupt TWNK protein function with a positive predictive value of 95%. In summary, the available evidence is currently insufficient to determine the role of this variant in disease. Therefore, it has been classified as a Variant of Uncertain Significance.

Institute of Rare Diseases, West China Hospital, Sichuan University
Classification: Likely pathogenic for Perrault syndrome 5. Last evaluated: 2025-01-09. Review status: criteria provided, single submitter. Criteria: ClinGen HL ACMG Specifications v1. Collection method: research. Allele origin: germline. Affected: yes.
Comment: PM3_Strong;PM2_Supporting;PP3

GeneDx
Classification: Uncertain significance. Last evaluated: 2024-07-05. Review status: criteria provided, single submitter. Criteria: GeneDx Variant Classification Process June 2021. Collection method: clinical testing. Allele origin: germline. Affected: yes.
Comment: In silico analysis supports that this missense variant has a deleterious effect on protein structure/function; Has not been previously published as pathogenic or benign to our knowledge

NM_021830.5(TWNK):c.193C>T (p.Arg65Trp)

Gene: TWNK (twinkle mtDNA helicase; plus strand). Cytogenetic location: 10q24.31.
Variant type: single nucleotide variant.
Coding change: c.193C>T on transcript NM_021830.5 (MANE Select); coding-DNA position 193, C replaced by T.
Protein change: p.Arg65Trp; replaces arginine 65 with tryptophan.
Molecular consequence: missense variant. On other transcripts: intron variant (3), non-coding transcript variant (4).
Genome position (GRCh38, 1-based): chr10:100,988,403, C>T. VCF-style: chr10-100988403-C-T. GRCh37 (hg19) VCF-style: chr10-102748160-C-T.
Other names: c.-58+790C>T (NM_001368275.1); c.193C>T, p.Arg65Trp (NM_001163812.2); c.-120+790C>T (NM_001163814.2, NM_001163813.2); short protein forms R65W.
Identifiers: ClinVar variation 1309254 (VCV001309254.8), dbSNP rs753640924, ClinGen allele CA5653034.
Genomic context (GRCh38, chr10:100,988,403, plus strand): 5'-CTCCAAGCCTTGGATATGCCAGTGTTGCCTGTAACTGCAACTGAAATCCGCCAGTATTTG[C>T]GGGGGCATGGGATCCCCTTCCAGGATGGTCACAGTTGCCTGCGGGCACTGAGCCCCTTTG-3'
Protein context (NP_068602.2, residues 55-75): VTATEIRQYL[Arg65Trp]GHGIPFQDGH